The following is an entry in ClinVar:

NM_000257.4(MYH7):c.4793A>C (p.Gln1598Pro)

Genes: MHRT (myosin heavy chain associated RNA transcript; plus strand), MYH7 (myosin heavy chain 7; minus strand), LOC126861897 (BRD4-independent group 4 enhancer GRCh37_chr14:23884455-23885654; plus strand). Cytogenetic location: 14q11.2.
Variant type: single nucleotide variant.
Coding change: c.4793A>C on transcript NM_000257.4 (MANE Select); coding-DNA position 4793, A replaced by C.
Protein change: p.Gln1598Pro; replaces glutamine 1598 with proline.
Molecular consequence: missense variant. On other transcripts: non-coding transcript variant (1).
Genome position (GRCh38, 1-based): chr14:23,416,164, T>G on the plus strand (A>C on the coding strand, the complement: MYH7 is on the minus strand). VCF-style: chr14-23416164-T-G. GRCh37 (hg19) VCF-style: chr14-23885373-T-G.
Other names: short protein forms Q1598P.
Identifiers: ClinVar variation 1483269 (VCV001483269.6), dbSNP rs2138642157, ClinGen allele CA389037623.

ClinVar aggregate classification (germline): Likely pathogenic (1 of 4 stars; one submission).

Conditions:
Hypertrophic cardiomyopathy. Also called: HYPERTROPHIC MYOCARDIOPATHY. Identifiers: Orphanet 217569, MedGen C0007194, MeSH D002312, MONDO:0005045, HP:0001639.

Submission:

Labcorp Genetics (formerly Invitae), Labcorp
Classification: Likely pathogenic for Hypertrophic cardiomyopathy. Last evaluated: 2022-06-05. Review status: criteria provided, single submitter. Criteria: Invitae Variant Classification Sherloc (09022015). Collection method: clinical testing. Allele origin: germline.
Comment: This variant is not present in population databases (gnomAD no frequency). This missense change has been observed in individual(s) with clinical features of autosomal dominant congenital myopathy (Invitae). In at least one individual the variant was observed to be de novo. ClinVar contains an entry for this variant (Variation ID: 1483269). Algorithms developed to predict the effect of missense changes on protein structure and function are either unavailable or do not agree on the potential impact of this missense change (SIFT: "Deleterious"; PolyPhen-2: "Probably Damaging"; Align-GVGD: "Class C0"). In summary, the currently available evidence indicates that the variant is pathogenic, but additional data are needed to prove that conclusively. Therefore, this variant has been classified as Likely Pathogenic. This sequence change replaces glutamine, which is neutral and polar, with proline, which is neutral and non-polar, at codon 1598 of the MYH7 protein (p.Gln1598Pro).